The following is an entry in ClinVar:

NM_001040716.2(PC):c.2549G>A (p.Cys850Tyr)

Gene: PC (pyruvate carboxylase; minus strand). Cytogenetic location: 11q13.2.
Variant type: single nucleotide variant.
Coding change: c.2549G>A on transcript NM_001040716.2 (MANE Select); coding-DNA position 2549, G replaced by A.
Protein change: p.Cys850Tyr; replaces cysteine 850 with tyrosine.
Molecular consequence: missense variant.
Genome position (GRCh38, 1-based): chr11:66,850,389, C>T on the plus strand (G>A on the coding strand, the complement: PC is on the minus strand). VCF-style: chr11-66850389-C-T. GRCh37 (hg19) VCF-style: chr11-66617860-C-T.
Other names: c.2549G>A, p.Cys850Tyr (NM_000920.4, NM_022172.3); short protein forms C850Y.
Identifiers: ClinVar variation 2662656 (VCV002662656.1), dbSNP rs866278372, ClinGen allele CA224122598.

ClinVar aggregate classification (germline): Uncertain significance (1 of 4 stars; one submission).

Submission:

GeneDx
Classification: Uncertain significance. Last evaluated: 2023-04-14. Review status: criteria provided, single submitter. Criteria: GeneDx Variant Classification Process June 2021. Collection method: clinical testing. Allele origin: germline. Affected: yes.
Comment: Not observed at significant frequency in large population cohorts (gnomAD); In silico analysis supports that this missense variant has a deleterious effect on protein structure/function; Has not been previously published as pathogenic or benign to our knowledge